The following is an entry in ClinVar:

NM_002439.5(MSH3):c.923A>T (p.Lys308Met)

Genes: MSH3 (mutS homolog 3; plus strand), LOC126807437 (MED14-independent group 3 enhancer GRCh37_chr5:79968379-79969578; plus strand). Cytogenetic location: 5q14.1.
Variant type: single nucleotide variant.
Coding change: c.923A>T on transcript NM_002439.5 (MANE Select); coding-DNA position 923, A replaced by T.
Protein change: p.Lys308Met; replaces lysine 308 with methionine.
Molecular consequence: missense variant.
Genome position (GRCh38, 1-based): chr5:80,672,754, A>T. VCF-style: chr5-80672754-A-T. GRCh37 (hg19) VCF-style: chr5-79968573-A-T.
Other names: short protein forms K308M.
Identifiers: ClinVar variation 657862 (VCV000657862.23), dbSNP rs746243211, ClinGen allele CA3327751.

ClinVar aggregate classification (germline): Uncertain significance. Review status: criteria provided, multiple submitters, no conflicts (2 of 4 stars). 8 submissions from 8 submitters: Uncertain significance (8). Last evaluated 2025-12-22.

Conditions:
Hereditary cancer-predisposing syndrome. Also called: Hereditary neoplastic syndrome; Hereditary Cancer Syndrome; Tumor predisposition; Neoplastic Syndromes, Hereditary. Identifiers: Orphanet 140162, MedGen C0027672, MeSH D009386, MONDO:0015356.
Endometrial carcinoma. Also called: Endometrial carcinoma, somatic. Identifiers: MedGen C0476089, MONDO:0002447, OMIM 608089, HP:0012114.
Familial adenomatous polyposis 4 (FAP4). Also called: MSH3-related attenuated familial adenomatous polyposis. Identifiers: Orphanet 480536, MedGen C4310719, MONDO:0044300, OMIM 617100.

Allele frequency attached by ClinVar (database versions not stated): gnomAD 0.00003 and 0.00004; ExAC 0.00004; gnomAD exomes 0.00005 and 0.00009; TOPMed 0.00005.
gnomAD v4.1: 133 of 1,613,978 alleles (0.0082%); highest among the groups gnomAD compares: Middle Eastern, 0.033%; no homozygotes.

Submissions (8):

Labcorp Genetics (formerly Invitae), Labcorp
Classification: Uncertain significance. Last evaluated: 2025-12-22. Review status: criteria provided, single submitter. Criteria: Invitae Variant Classification Sherloc (09022015). Collection method: clinical testing. Allele origin: germline.
Comment: This sequence change replaces lysine, which is basic and polar, with methionine, which is neutral and non-polar, at codon 308 of the MSH3 protein (p.Lys308Met). This variant is present in population databases (rs746243211, gnomAD 0.009%). This variant has not been reported in the literature in individuals affected with MSH3-related conditions. ClinVar contains an entry for this variant (Variation ID: 657862). An algorithm developed to predict the effect of missense changes on protein structure and function (PolyPhen-2) suggests that this variant is likely to be disruptive. In summary, the available evidence is currently insufficient to determine the role of this variant in disease. Therefore, it has been classified as a Variant of Uncertain Significance.

Ambry Genetics
Classification: Uncertain significance for Hereditary cancer-predisposing syndrome. Last evaluated: 2025-12-05. Review status: criteria provided, single submitter. Criteria: Ambry Variant Classification Scheme 2023. Collection method: clinical testing. Allele origin: germline.
Comment: The p.K308M variant (also known as c.923A>T), located in coding exon 6 of the MSH3 gene, results from an A to T substitution at nucleotide position 923. The lysine at codon 308 is replaced by methionine, an amino acid with similar properties. This amino acid position is highly conserved in available vertebrate species. In addition, this alteration is predicted to be deleterious by in silico analysis. Based on the available evidence, the clinical significance of this variant remains unclear.

Quest Diagnostics Nichols Institute San Juan Capistrano
Classification: Uncertain significance. Last evaluated: 2025-10-31. Review status: criteria provided, single submitter. Criteria: Quest Diagnostics criteria. Collection method: clinical testing. Allele origin: unknown.
Comment: The MSH3 c.923A>T (p.Lys308Met) variant has been reported in the published literature in a cohort of early-onset breast cancer (PMID: 39272813 (2024)). The frequency of this variant in the general population (Genome Aggregation Database) is uninformative in the assessment of its pathogenicity. Analysis of this variant using bioinformatics tools for the prediction of the effect of amino acid changes on protein structure and function yielded predictions that this variant is damaging. Based on the available information, we are unable to determine the clinical significance of this variant.

Center for Genomic Medicine, Rigshospitalet, Copenhagen University Hospital
Classification: Uncertain significance. Last evaluated: 2025-03-04. Review status: criteria provided, single submitter. Criteria: ACMG Guidelines, 2015. Collection method: clinical testing. Allele origin: germline.

Blueprint Genetics
Classification: Uncertain significance. Last evaluated: 2024-08-19. Review status: criteria provided, single submitter. Criteria: ACMG Guidelines, 2015. Collection method: clinical testing. Allele origin: germline.

Baylor Genetics
Classification: Uncertain significance for Endometrial carcinoma. Last evaluated: 2024-03-25. Review status: criteria provided, single submitter. Criteria: ACMG Guidelines, 2015. Collection method: clinical testing. Allele origin: unknown.

Sema4
Classification: Uncertain significance for Hereditary cancer-predisposing syndrome. Last evaluated: 2021-12-19. Review status: criteria provided, single submitter. Criteria: Sema4 Curation Guidelines. Collection method: curation. Allele origin: germline.
Comment: The MSH3 c.923A>T (p.K308M) variant has not been reported in the literature to our knowledge. It was observed in 3/35434 chromosomes of the Latino (AMR) subpopulation in the large and broad cohorts of the Genome Aggregation Database (PMID: 32461654). This variant has been reported in ClinVar (Variation ID 657862). In silico tools suggest the impact of the variant on protein function is deleterious, though these predictions have not been confirmed by functional studies. The evidence is insufficient to meet ACMG/AMP criteria for classifying the variant as benign or pathogenic. Thus, the clinical significance of this variant is currently uncertain.

Department of Pathology and Laboratory Medicine, Sinai Health System
Classification: Uncertain significance for Endometrial carcinoma; Familial adenomatous polyposis 4. Last evaluated: 2021-07-30. Review status: criteria provided, single submitter. Criteria: ACMG Guidelines, 2015. Collection method: research. Allele origin: germline.

Literature cited by the submitters: PubMed 39272813 (cited by Quest Diagnostics Nichols Institute San Juan Capistrano).